The following is an entry in ClinVar:

ClinVar aggregate classification (germline): Uncertain significance (1 of 4 stars; one submission).

Conditions:
DIP2A-related disorder. Also called: DIP2A-related condition.

Submission:

PreventionGenetics, part of Exact Sciences
Classification: Uncertain significance for DIP2A-related condition. Last evaluated: 2026-01-05. Review status: criteria provided, single submitter. Criteria: ACMG Guidelines, 2015. Collection method: clinical testing. Allele origin: germline.
Comment: The DIP2A c.1339G>C variant is predicted to result in the amino acid substitution p.Gly447Arg. To our knowledge, this variant has not been reported in the literature or in a large population database (gnomAD), indicating this variant is rare. At this time, the clinical significance of this variant is uncertain due to the absence of conclusive functional and genetic evidence.

NM_015151.4(DIP2A):c.1339G>C (p.Gly447Arg)

Gene: DIP2A (DIP2 acetate--CoA ligase A; plus strand). Cytogenetic location: 21q22.3.
Variant type: single nucleotide variant.
Coding change: c.1339G>C on transcript NM_015151.4 (MANE Select); coding-DNA position 1339, G replaced by C.
Protein change: p.Gly447Arg; replaces glycine 447 with arginine.
Molecular consequence: missense variant.
Genome position (GRCh38, 1-based): chr21:46,533,557, G>C. VCF-style: chr21-46533557-G-C. GRCh37 (hg19) VCF-style: chr21-47953470-G-C.
Other names: c.1210G>C, p.Gly404Arg (NM_001146115.2); c.1327G>C, p.Gly443Arg (NM_001146116.2); c.1342G>C, p.Gly448Arg (NM_001353942.2); c.1339G>C, p.Gly447Arg (NM_001353943.2, NM_001410751.1, NM_206889.3 and 2 more transcripts); c.1090G>C, p.Gly364Arg (NM_001353944.2); short protein forms G443R, G447R, G404R, G364R, G448R.
Identifiers: ClinVar variation 4988845 (VCV004988845.1).